The following is an entry in ClinVar:

ClinVar aggregate classification (germline): Likely benign (0 of 4 stars; one submission).

Conditions:
EPS8L2-related disorder. Also called: EPS8L2-related condition.

Allele frequency attached by ClinVar (database versions not stated): gnomAD exomes 0.00006; ESP Exome Variant Server 0.00008; ExAC 0.00014; gnomAD 0.00023; TOPMed 0.00028.
gnomAD v4.1: 124 of 1,552,592 alleles (0.008%); highest among the groups gnomAD compares: African/African-American, 0.073%; no homozygotes.

Submission:

PreventionGenetics, part of Exact Sciences
Classification: Likely benign for EPS8L2-related condition. Last evaluated: 2022-11-28. Review status: no assertion criteria provided. Collection method: clinical testing. Allele origin: germline.
Comment: This variant is classified as likely benign based on ACMG/AMP sequence variant interpretation guidelines (Richards et al. 2015 PMID: 25741868, with internal and published modifications).

NM_022772.4(EPS8L2):c.1341+5G>C

Gene: EPS8L2 (EPS8 signaling adaptor L2; plus strand). Cytogenetic location: 11p15.5.
Variant type: single nucleotide variant.
Coding change: c.1341+5G>C on transcript NM_022772.4 (MANE Select); 5 bases into the intron after coding-DNA position 1341, G replaced by C.
Molecular consequence: intron variant.
Genome position (GRCh38, 1-based): chr11:722,810, G>C. VCF-style: chr11-722810-G-C. GRCh37 (hg19) VCF-style: chr11-722810-G-C.
Identifiers: ClinVar variation 3049692 (VCV003049692.2), dbSNP rs376058654, ClinGen allele CA5787587.